The following is an entry in ClinVar:

ClinVar aggregate classification (germline): Uncertain significance (1 of 4 stars; one submission).

Conditions:
Long QT syndrome (LQTS). Identifiers: MedGen C0023976, MeSH D008133, MONDO:0002442. Disease mechanism: loss of function. Inheritance: Various modes of inheritance.

Allele frequency attached by ClinVar (database versions not stated): gnomAD exomes below 0.00001; ExAC 0.00001; gnomAD 0.00001.
gnomAD v4.1: 3 of 1,613,634 alleles (0.00019%); highest among the groups gnomAD compares: Admixed American, 0.0017%; no homozygotes.

Submission:

Labcorp Genetics (formerly Invitae), Labcorp
Classification: Uncertain significance for Long QT syndrome. Last evaluated: 2024-10-25. Review status: criteria provided, single submitter. Criteria: Invitae Variant Classification Sherloc (09022015). Collection method: clinical testing. Allele origin: germline.
Comment: This sequence change replaces glutamine, which is neutral and polar, with glutamic acid, which is acidic and polar, at codon 1686 of the AKAP9 protein (p.Gln1686Glu). The frequency data for this variant in the population databases is considered unreliable, as metrics indicate poor data quality at this position in the gnomAD database. This variant has not been reported in the literature in individuals affected with AKAP9-related conditions. ClinVar contains an entry for this variant (Variation ID: 1438383). An algorithm developed to predict the effect of missense changes on protein structure and function (PolyPhen-2) suggests that this variant is likely to be tolerated. In summary, the available evidence is currently insufficient to determine the role of this variant in disease. Therefore, it has been classified as a Variant of Uncertain Significance.

NM_005751.5(AKAP9):c.5056C>G (p.Gln1686Glu)

Genes: AKAP9 (A-kinase anchoring protein 9; plus strand), LOC121175350 (Sharpr-MPRA regulatory region 2641; plus strand). Cytogenetic location: 7q21.2.
Variant type: single nucleotide variant.
Coding change: c.5056C>G on transcript NM_005751.5 (MANE Select); coding-DNA position 5056, C replaced by G.
Protein change: p.Gln1686Glu; replaces glutamine 1686 with glutamic acid.
Molecular consequence: missense variant.
Genome position (GRCh38, 1-based): chr7:92,042,184, C>G. VCF-style: chr7-92042184-C-G. GRCh37 (hg19) VCF-style: chr7-91671498-C-G.
Other names: c.5056C>G, p.Gln1686Glu (NM_147185.3); short protein forms Q1686E.
Identifiers: ClinVar variation 1438383 (VCV001438383.8), dbSNP rs764941338, ClinGen allele CA4336717.
Genomic context (GRCh38, chr7:92,042,184, plus strand): 5'-CTGTCTTTAGCTGGAAGAGAGAAGCTGTGTTGTGAGCTGCGCAACAGCAGTACGCAAACA[C>G]AGGTAGTATGGACTTTGCCCCACCTAGGAGCAATGGATCACCAATTCAGTAGGATTTGTT-3'
Protein context (NP_005742.4, residues 1676-1696): CELRNSSTQT[Gln1686Glu]NGNENQGEVE